The following is an entry in ClinVar:

NM_000264.5(PTCH1):c.3605C>A (p.Pro1202His)

Gene: PTCH1 (patched 1; minus strand). Cytogenetic location: 9q22.32.
Variant type: single nucleotide variant.
Coding change: c.3605C>A on transcript NM_000264.5 (MANE Select); coding-DNA position 3605, C replaced by A.
Protein change: p.Pro1202His; replaces proline 1202 with histidine.
Molecular consequence: missense variant. On other transcripts: non-coding transcript variant (1).
Genome position (GRCh38, 1-based): chr9:95,449,268, G>T on the plus strand (C>A on the coding strand, the complement: PTCH1 is on the minus strand). VCF-style: chr9-95449268-G-T. GRCh37 (hg19) VCF-style: chr9-98211550-G-T.
Other names: c.3407C>A, p.Pro1136His (NM_001083602.3); c.3602C>A, p.Pro1201His (NM_001083603.3); c.3152C>A, p.Pro1051His (NM_001083604.3, NM_001083605.3, NM_001083606.3 and 1 more transcripts); c.3449C>A, p.Pro1150His (NM_001354918.2); short protein forms P1136H, P1202H, P1150H, P1051H, P1201H.
Identifiers: ClinVar variation 1733148 (VCV001733148.8), dbSNP rs374097441, ClinGen allele CA196566511.

ClinVar aggregate classification (germline): Uncertain significance. Review status: criteria provided, multiple submitters, no conflicts (2 of 4 stars). 2 submissions from 2 submitters: Uncertain significance (2). Last evaluated 2026-01-02.

Conditions:
Gorlin syndrome. Also called: Nevoid Basal Cell Carcinoma Syndrome; Basal cell nevus syndrome. Identifiers: Orphanet 377, MedGen C0004779, MONDO:0007187.
Hereditary cancer-predisposing syndrome. Also called: Neoplastic Syndromes, Hereditary; Tumor predisposition; Hereditary Cancer Syndrome; Hereditary neoplastic syndrome. Identifiers: Orphanet 140162, MedGen C0027672, MeSH D009386, MONDO:0015356.

Allele frequency attached by ClinVar (database versions not stated): ESP Exome Variant Server 0.00008.
gnomAD v4.1: 5 of 1,564,532 alleles (0.00032%); highest among the groups gnomAD compares: Non-Finnish European, 0.00043%; no homozygotes.

Submissions (2):

Labcorp Genetics (formerly Invitae), Labcorp
Classification: Uncertain significance for Gorlin syndrome. Last evaluated: 2026-01-02. Review status: criteria provided, single submitter. Criteria: Invitae Variant Classification Sherloc (09022015). Collection method: clinical testing. Allele origin: germline.
Comment: This sequence change replaces proline, which is neutral and non-polar, with histidine, which is basic and polar, at codon 1202 of the PTCH1 protein (p.Pro1202His). This variant is not present in population databases (gnomAD no frequency). This variant has not been reported in the literature in individuals affected with PTCH1-related conditions. ClinVar contains an entry for this variant (Variation ID: 1733148). Invitae Evidence Modeling of protein sequence and biophysical properties (such as structural, functional, and spatial information, amino acid conservation, physicochemical variation, residue mobility, and thermodynamic stability) has been performed for this missense variant. However, the output from this modeling did not meet the statistical confidence thresholds required to predict the impact of this variant on PTCH1 protein function. In summary, the available evidence is currently insufficient to determine the role of this variant in disease. Therefore, it has been classified as a Variant of Uncertain Significance.

Ambry Genetics
Classification: Uncertain significance for Hereditary cancer-predisposing syndrome. Last evaluated: 2024-11-19. Review status: criteria provided, single submitter. Criteria: Ambry Variant Classification Scheme 2023. Collection method: clinical testing. Allele origin: germline.
Comment: The p.P1202H variant (also known as c.3605C>A), located in coding exon 22 of the PTCH1 gene, results from a C to A substitution at nucleotide position 3605. The proline at codon 1202 is replaced by histidine, an amino acid with similar properties. This amino acid position is well conserved in available vertebrate species. In addition, the in silico prediction for this alteration is inconclusive. Since supporting evidence is limited at this time, the clinical significance of this alteration remains unclear.